The following is an entry in ClinVar:

NM_000372.5(TYR):c.520G>T (p.Asp174Tyr)

Gene: TYR (tyrosinase; plus strand). Cytogenetic location: 11q14.3.
Variant type: single nucleotide variant.
Coding change: c.520G>T on transcript NM_000372.5 (MANE Select); coding-DNA position 520, G replaced by T.
Protein change: p.Asp174Tyr; replaces aspartic acid 174 with tyrosine.
Molecular consequence: missense variant.
Genome position (GRCh38, 1-based): chr11:89,178,473, G>T. VCF-style: chr11-89178473-G-T. GRCh37 (hg19) VCF-style: chr11-88911641-G-T.
Other names: short protein forms D174Y.
Identifiers: ClinVar variation 4077130 (VCV004077130.1).
Genomic context (GRCh38, chr11:89,178,473, plus strand): 5'-GGGACCTATGGCCAAATGAAAAATGGATCAACACCCATGTTTAACGACATCAATATTTAT[G>T]ACCTCTTTGTCTGGATGCATTATTATGTGTCAATGGATGCACTGCTTGGGGGATCTGAAA-3'
Protein context (NP_000363.1, residues 164-184): TPMFNDINIY[Asp174Tyr]LFVWMHYYVS

ClinVar aggregate classification (germline): Likely pathogenic (1 of 4 stars; one submission).

Conditions:
Oculocutaneous albinism type 1B (OCA1B). Also called: ALBINISM, OCULOCUTANEOUS, TYPE IB; ALBINISM, YELLOW MUTANT TYPE; YELLOW ALBINISM. Identifiers: Orphanet 352731, Orphanet 352737, Orphanet 79434, MedGen C1847024, MONDO:0011749, OMIM 606952.
Oculocutaneous albinism type 1A (OCA1A). Also called: Albinism, oculocutaneous, type IA. Identifiers: Orphanet 352731, Orphanet 79431, MedGen C4551504, MONDO:0008745, OMIM 203100. Disease mechanism: loss of function.

Submission:

Laboratory of Genetic Epidemiology, Research Centre for Medical Genetics
Classification: Likely pathogenic for Oculocutaneous albinism type 1A; Oculocutaneous albinism type 1B. Last evaluated: 2025-01-01. Review status: criteria provided, single submitter. Criteria: ACMG Guidelines, 2015. Collection method: clinical testing. Allele origin: biparental. Inheritance: Autosomal recessive inheritance. Affected: yes. Observed: 1 homozygote.
Comment: The missense variant NM_000372.5:c.520G>T, p.(Asp174Tyr) was identified in a homozygous state in two probands of Dargin ethnic group diagnosed with albinism. This variant has not been previously reported in the literature and is not listed in gnomAD v3.1.2. The affected amino acid position is evolutionarily conserved and located in close proximity to the highly conservative residue that is important for maintaining a three -dimensional structure (Tyr173) (PMID: 12028580). Taken together, the variant meets the following ACMG/AMP criteria and can be classified as likely pathogenic with PM2, PP3, PM3, PP4 criteria.

Literature cited by the submitters: PubMed 12028580; PubMed 41428507.